The following is an entry in ClinVar:

NM_007294.4(BRCA1):c.1180_1181insT (p.Gly394fs)

Gene: BRCA1 (BRCA1 DNA repair associated; minus strand). Cytogenetic location: 17q21.31.
Variant type: Insertion.
Coding change: c.1180_1181insT on transcript NM_007294.4 (MANE Select); coding-DNA positions 1180 to 1181, T inserted.
Protein change: p.Gly394fs; shifts the reading frame from glycine 394.
Molecular consequence: frameshift variant. On other transcripts: intron variant (137).
Genome position: GRCh38 VCF-style: chr17-43094350-C-CA. GRCh37 (hg19) VCF-style: chr17-41246367-C-CA.
Other names: c.967_968insT, p.Gly323fs (NM_001407571.1, NM_001407853.1, NM_001407894.1 and 9 more transcripts); c.1180_1181insT, p.Gly394fs (NM_001407581.1, NM_001407582.1, NM_001407583.1 and 30 more transcripts); c.1177_1178insT, p.Gly393fs (NM_001407587.1, NM_001407590.1, NM_001407591.1 and 22 more transcripts); c.1171_1172insT, p.Gly391fs (NM_001407647.1, NM_001407646.1); c.1057_1058insT, p.Gly353fs (NM_001407648.1, NM_001407667.1, NM_001407668.1 and 19 more transcripts); c.1054_1055insT, p.Gly352fs (NM_001407649.1, NM_001407670.1, NM_001407671.1 and 11 more transcripts); c.1102_1103insT, p.Gly368fs (NM_001407653.1, NM_001407654.1, NM_001407655.1 and 4 more transcripts); c.1039_1040insT, p.Gly347fs (NM_001407692.1, NM_001407729.1, NM_001407730.1 and 29 more transcripts); and 40 more; short protein forms G347fs, G394fs, G266fs, G283fs, G306fs, G323fs, G346fs, G352fs.
Identifiers: ClinVar variation 548245 (VCV000548245.2), dbSNP rs1555592299, ClinGen allele CA658824536.

ClinVar aggregate classification (germline): Pathogenic (3 of 4 stars; one submission).

Conditions:
Breast-ovarian cancer, familial, susceptibility to, 1 (BROVCA1). Also called: BRCA1 Hereditary Breast and Ovarian Cancer; OVARIAN CANCER, SUSCEPTIBILITY TO. Identifiers: Orphanet 145, MedGen C2676676, MONDO:0011450, OMIM 604370. Disease mechanism: loss of function.

Submission:

Evidence-based Network for the Interpretation of Germline Mutant Alleles (ENIGMA)
Classification: Pathogenic for Breast-ovarian cancer, familial, susceptibility to, 1. Last evaluated: 2017-12-15. Review status: reviewed by expert panel. Criteria: ENIGMA BRCA1/2 Classification Criteria (2017-06-29). Collection method: curation. Allele origin: germline. Study: ENIGMA.
Comment: Variant allele predicted to encode a truncated non-functional protein.